The following is an entry in ClinVar:

ClinVar aggregate classification (germline): Uncertain significance (1 of 4 stars; one submission).

Allele frequency attached by ClinVar (database versions not stated): gnomAD exomes below 0.00001; gnomAD 0.00001; TOPMed 0.00001.
gnomAD v4.1: 4 of 1,610,650 alleles (0.00025%); highest among the groups gnomAD compares: South Asian, 0.0011%; no homozygotes.

Submission:

Labcorp Genetics (formerly Invitae), Labcorp
Classification: Uncertain significance. Last evaluated: 2020-02-19. Review status: criteria provided, single submitter. Criteria: Invitae Variant Classification Sherloc (09022015). Collection method: clinical testing. Allele origin: germline.
Comment: This variant has not been reported in the literature in individuals with CACNA1E-related conditions. Algorithms developed to predict the effect of missense changes on protein structure and function (SIFT, PolyPhen-2, Align-GVGD) all suggest that this variant is likely to be disruptive, but these predictions have not been confirmed by published functional studies and their clinical significance is uncertain. In summary, the available evidence is currently insufficient to determine the role of this variant in disease. Therefore, it has been classified as a Variant of Uncertain Significance. This variant is not present in population databases (ExAC no frequency). This sequence change replaces alanine with threonine at codon 1896 of the CACNA1E protein (p.Ala1896Thr). The alanine residue is highly conserved and there is a small physicochemical difference between alanine and threonine.

NM_001205293.3(CACNA1E):c.5686G>A (p.Ala1896Thr)

Gene: CACNA1E (calcium voltage-gated channel subunit alpha1 E; plus strand). Cytogenetic location: 1q25.3.
Variant type: single nucleotide variant.
Coding change: c.5686G>A on transcript NM_001205293.3 (MANE Select); coding-DNA position 5686, G replaced by A.
Protein change: p.Ala1896Thr; replaces alanine 1896 with threonine.
Molecular consequence: missense variant.
Genome position (GRCh38, 1-based): chr1:181,785,719, G>A. VCF-style: chr1-181785719-G-A. GRCh37 (hg19) VCF-style: chr1-181754855-G-A.
Other names: c.5686G>A, p.Ala1896Thr (NM_000721.4); c.5629G>A, p.Ala1877Thr (NM_001205294.2); short protein forms A1896T, A1877T.
Identifiers: ClinVar variation 1045492 (VCV001045492.10), dbSNP rs958002940, ClinGen allele CA33851545.